The following is an entry in ClinVar:

ClinVar aggregate classification (germline): Uncertain significance (1 of 4 stars; one submission).

Conditions:
Jeune thoracic dystrophy. Also called: Jeune syndrome; Infantile thoracic dystrophy; Thoracic pelvic phalangeal dystrophy; Jeune's syndrome; Chondroectodermal dysplasia-like syndrome; Short-rib thoracic dysplasia. Identifiers: Orphanet 474, MedGen C0265275, MONDO:0018770.

Allele frequency attached by ClinVar (database versions not stated): TOPMed below 0.00001.

Submission:

Labcorp Genetics (formerly Invitae), Labcorp
Classification: Uncertain significance for Jeune thoracic dystrophy. Last evaluated: 2022-09-06. Review status: criteria provided, single submitter. Criteria: Invitae Variant Classification Sherloc (09022015). Collection method: clinical testing. Allele origin: germline.
Comment: This sequence change replaces valine, which is neutral and non-polar, with isoleucine, which is neutral and non-polar, at codon 334 of the DYNC2H1 protein (p.Val334Ile). In summary, the available evidence is currently insufficient to determine the role of this variant in disease. Therefore, it has been classified as a Variant of Uncertain Significance. Algorithms developed to predict the effect of missense changes on protein structure and function output the following: SIFT: "Tolerated"; PolyPhen-2: "Benign"; Align-GVGD: "Class C0". The isoleucine amino acid residue is found in multiple mammalian species, which suggests that this missense change does not adversely affect protein function. ClinVar contains an entry for this variant (Variation ID: 1362843). This variant has not been reported in the literature in individuals affected with DYNC2H1-related conditions. This variant is not present in population databases (gnomAD no frequency).

NM_001377.3(DYNC2H1):c.1000G>A (p.Val334Ile)

Gene: DYNC2H1 (dynein cytoplasmic 2 heavy chain 1; plus strand). Cytogenetic location: 11q22.3.
Variant type: single nucleotide variant.
Coding change: c.1000G>A on transcript NM_001377.3 (MANE Select); coding-DNA position 1000, G replaced by A.
Protein change: p.Val334Ile; replaces valine 334 with isoleucine.
Molecular consequence: missense variant.
Genome position (GRCh38, 1-based): chr11:103,120,447, G>A. VCF-style: chr11-103120447-G-A. GRCh37 (hg19) VCF-style: chr11-102991176-G-A.
Other names: c.1000G>A, p.Val334Ile (NM_001080463.2); short protein forms V334I.
Identifiers: ClinVar variation 1362843 (VCV001362843.6), dbSNP rs1273059968, ClinGen allele CA382249711.